The following is an entry in ClinVar:

ClinVar aggregate classification (germline): Uncertain significance (1 of 4 stars; one submission).

Submission:

ISCA site 4
Classification: Uncertain significance. Last evaluated: 2011-08-12. Review status: criteria provided, single submitter. Criteria: Kaminsky et al. (Genet Med. 2011). Collection method: clinical testing. Allele origin: unknown. Affected: yes. Observed: 1 variant allele.
Comment: Copy number variation identified through the course of routine clinical cytogenomic testing in postnatal populations. Clinical assertions have been curated as described in Kaminsky et al. 2011.

GRCh38/hg38 18q21.2-21.31(chr18:55859488-56865425)x1

Genes: LINC01416 (long intergenic non-protein coding RNA 1416; minus strand), LINC01539 (long intergenic non-protein coding RNA 1539; minus strand), LINC01905 (long intergenic non-protein coding RNA 1905; plus strand), LINC03069 (long intergenic non-protein coding RNA 3069; minus strand), TXNL1 (thioredoxin like 1; minus strand) and 6 more. Cytogenetic location: 18q21.2-21.31.
Variant type: copy number loss.
Change: copy number 1 (one copy instead of two) of chr18:55,859,488-56,865,425 (1.01 Mb, GRCh38 coordinates, 1-based), cytogenetic band 18q21.2-21.31.
Identifiers: ClinVar variation 57123 (VCV000057123.1).